The following is an entry in ClinVar:

ClinVar aggregate classification (germline): Uncertain significance. Review status: criteria provided, multiple submitters, no conflicts (2 of 4 stars). 2 submissions from 2 submitters: Uncertain significance (2). Last evaluated 2026-01-28.

Conditions:
Charcot-Marie-Tooth disease type 2. Also called: Charcot-Marie-Tooth type 2. Identifiers: Orphanet 64746, MedGen C0270914, MONDO:0018993.

Submissions (2):

Ambry Genetics
Classification: Uncertain significance. Last evaluated: 2026-01-28. Review status: criteria provided, single submitter. Criteria: Ambry Variant Classification Scheme 2023. Collection method: clinical testing. Allele origin: germline.
Comment: The p.T550A variant (also known as c.1648A>G), located in coding exon 17 of the KIF1B gene, results from an A to G substitution at nucleotide position 1648. The threonine at codon 550 is replaced by alanine, an amino acid with similar properties. This amino acid position is well conserved in available vertebrate species. In addition, the in silico prediction for this alteration is inconclusive. The evidence for this gene-disease relationship is limited; therefore, the clinical significance of this variant is unclear.

Labcorp Genetics (formerly Invitae), Labcorp
Classification: Uncertain significance for Charcot-Marie-Tooth disease type 2. Last evaluated: 2022-01-26. Review status: criteria provided, single submitter. Criteria: Invitae Variant Classification Sherloc (09022015). Collection method: clinical testing. Allele origin: germline.
Comment: In summary, the available evidence is currently insufficient to determine the role of this variant in disease. Therefore, it has been classified as a Variant of Uncertain Significance. Algorithms developed to predict the effect of missense changes on protein structure and function (SIFT, PolyPhen-2, Align-GVGD) all suggest that this variant is likely to be tolerated. This variant has not been reported in the literature in individuals affected with KIF1B-related conditions. This variant is not present in population databases (gnomAD no frequency). This sequence change replaces threonine, which is neutral and polar, with alanine, which is neutral and non-polar, at codon 550 of the KIF1B protein (p.Thr550Ala).

NM_001365951.3(KIF1B):c.1786A>G (p.Thr596Ala)

Gene: KIF1B (kinesin family member 1B; plus strand). Cytogenetic location: 1p36.22.
Variant type: single nucleotide variant.
Coding change: c.1786A>G on transcript NM_001365951.3 (MANE Select); coding-DNA position 1786, A replaced by G.
Protein change: p.Thr596Ala; replaces threonine 596 with alanine.
Molecular consequence: missense variant.
Genome position (GRCh38, 1-based): chr1:10,296,590, A>G. VCF-style: chr1-10296590-A-G. GRCh37 (hg19) VCF-style: chr1-10356648-A-G.
Other names: c.1786A>G, p.Thr596Ala (NM_001365952.1); c.1648A>G, p.Thr550Ala (NM_001365953.1, NM_015074.3, NM_183416.4); short protein forms T596A, T550A.
Identifiers: ClinVar variation 2089444 (VCV002089444.5), dbSNP rs2521397438, ClinGen allele CA338315497.